The following is an entry in ClinVar:

NM_001148.6(ANK2):c.11086G>A (p.Glu3696Lys)

Gene: ANK2 (ankyrin 2; plus strand). Cytogenetic location: 4q26.
Variant type: single nucleotide variant.
Coding change: c.11086G>A on transcript NM_001148.6 (MANE Select); coding-DNA position 11086, G replaced by A.
Protein change: p.Glu3696Lys; replaces glutamic acid 3696 with lysine.
Molecular consequence: missense variant.
Genome position (GRCh38, 1-based): chr4:113,367,619, G>A. VCF-style: chr4-113367619-G-A. GRCh37 (hg19) VCF-style: chr4-114288775-G-A.
Other names: c.11086G>A (LRG_327t1); c.4804G>A, p.Glu1602Lys (NM_001127493.3); c.4843G>A, p.Glu1615Lys (NM_001354225.2); c.4732G>A, p.Glu1578Lys (NM_001354228.2, NM_001354258.2); c.4810G>A, p.Glu1604Lys (NM_001354230.2); c.4873G>A, p.Glu1625Lys (NM_001354231.2, NM_001354242.2); c.4867G>A, p.Glu1623Lys (NM_001354232.2); c.4828G>A, p.Glu1610Lys (NM_001354235.2, NM_001354246.2, NM_001354265.2); and 36 more; short protein forms E1602K, E3696K, E1483K, E1511K, E1540K, E1549K, E1556K, E1577K.
Identifiers: ClinVar variation 67600 (VCV000067600.2), dbSNP rs199473347, ClinGen allele CA329730.

ClinVar aggregate classification (germline): Uncertain significance. Review status: criteria provided, single submitter (1 of 4 stars). 2 submissions from 2 submitters: Uncertain significance (1). 1 of the submissions does not count toward it. Last evaluated 2023-01-06.

Conditions:
ANK2-related disorder. Also called: ANK2-related condition.
Familial long QT syndrome (RWS). Also called: Congenital long QT syndrome; Romano-Ward syndrome; VENTRICULAR FIBRILLATION WITH PROLONGED QT INTERVAL. Identifiers: Orphanet 768, MedGen C1141890, MONDO:0019171.

Allele frequency attached by ClinVar (database versions not stated): gnomAD exomes 0.00001.
gnomAD v4.1: 3 of 1,613,764 alleles (0.00019%); highest among the groups gnomAD compares: Non-Finnish European, 0.00025%; no homozygotes.

Submissions (2):

PreventionGenetics, part of Exact Sciences
Classification: Uncertain significance for ANK2-related condition. Last evaluated: 2023-01-06. Review status: criteria provided, single submitter. Criteria: ACMG Guidelines, 2015. Collection method: clinical testing. Allele origin: germline.
Comment: The ANK2 c.11086G>A variant is predicted to result in the amino acid substitution p.Glu3696Lys. This variant was reported in an individual with long QT syndrome; however, this individual also harbored a missense variant in KCNH2 (described as ANK2 E1578K in Table 1, Sherman et al. 2005. PubMed ID: 16253912). This variant has not been reported in a large population database, indicating this variant is rare. At this time, the clinical significance of this variant is uncertain due to the absence of conclusive functional and genetic evidence.

Cardiovascular Biomedical Research Unit, Royal Brompton & Harefield NHS Foundation Trust
No classification provided. Condition: Familial long QT syndrome. Review status: no classification provided. Collection method: literature only. Allele origin: germline. Not counted in ClinVar's aggregate classification.
Comment: This variant has been reported as associated with Long QT syndrome in the following publications (PMID:16253912). This is a literature report, and does not necessarily reflect the clinical interpretation of the Imperial College / Royal Brompton Cardiovascular Genetics laboratory.

Literature cited by the submitters: PubMed 16253912 (cited by Cardiovascular Biomedical Research Unit, Royal Brompton & Harefield NHS Foundation Trust); PubMed 22581653 (cited by Cardiovascular Biomedical Research Unit, Royal Brompton & Harefield NHS Foundation Trust).